The following is an entry in ClinVar:

ClinVar aggregate classification (germline): Likely pathogenic (1 of 4 stars; one submission).

Conditions:
Pelizaeus-Merzbacher disease. Also called: LEUKODYSTROPHY, HYPOMYELINATING, 1; Sudanophilic leukodystrophy; Pelizaeus-Merzbacher spectrum disorder; Pelizaeus-Merzbacher Disease (PMD); Pelizeaus-Merzbacher spectrum disorder. Identifiers: Orphanet 702, MedGen C0205711, MONDO:0010714, OMIM 312080, HP:0003269.

Submission:

Molecular Diagnostics Lab, Nemours Children's Health, Delaware
Classification: Likely pathogenic for Pelizaeus-Merzbacher disease. Last evaluated: 2021-02-16. Review status: criteria provided, single submitter. Criteria: ACMG Guidelines, 2015. Collection method: clinical testing. Allele origin: maternal, unknown. Inheritance: X-linked inheritance. Affected: yes and no. Observed: 2 heterozygotes, 2 hemizygotes. Clinical features observed: Neonatal seizure (HP:0032807), Nystagmus (HP:0000639), Hypotonia (HP:0001252), Stridor (HP:0010307), Vocal cord paralysis (HP:0001605).
Comment: This variant (c.113_115del, p.Glu38del) is an in-frame, single amino acid deletion that has not been observed in population databases (gnomAD). It has been found in 2 affected males within a single family. It has not been described in the literature, and no functional studies have been published.

NM_000533.5(PLP1):c.113_115del (p.Glu38del)

Genes: PLP1 (proteolipid protein 1; plus strand), RAB9B (RAB9B, member RAS oncogene family; minus strand). Cytogenetic location: Xq22.2.
Variant type: Deletion.
Coding change: c.113_115del on transcript NM_000533.5 (MANE Select); coding-DNA positions 113 to 115, 3 bases deleted (AAG; older notation c.113_115delAAG).
Protein change: p.Glu38del; deletes glutamic acid 38.
Molecular consequence: inframe deletion. On other transcripts: intron variant (1).
Genome position (GRCh38, 1-based): chrX:103,785,690-103,785,692, AAG deleted; deleting any 3 consecutive bases within chrX:103,785,689-103,785,692 gives the same sequence; the c. name uses the placement nearest the transcript's 3' end. VCF-style (leftmost placement, unchanged base first): chrX-103785688-TGAA-T. GRCh37 (hg19) VCF-style: chrX-103040617-TGAA-T.
Other names: c.113_115del, p.Glu38del (NM_001128834.3, NM_199478.3); c.5-57_5-55del (NM_001305004.1); c.113_115delAAG (NM_000533.5); short protein forms E38del.
Identifiers: ClinVar variation 3255426 (VCV003255426.2), dbSNP rs2522301526.
Genomic context (GRCh38, chrX:103,785,688, plus strand): 5'-TTCCCTGGTGGCCACTGGATTGTGTTTCTTTGGGGTGGCACTGTTCTGTGGCTGTGGACA[TGAA>T]GCCCTCACTGGCACAGAAAAGCTAATTGAGACCTATTTCTCCAAAAACTACCAAGACTAT-3'